The following is an entry in ClinVar:

ClinVar aggregate classification (germline): Likely pathogenic. Review status: criteria provided, multiple submitters, no conflicts (2 of 4 stars). 3 submissions from 3 submitters: Likely pathogenic (3). Last evaluated 2025-05-02.

Conditions:
Autosomal recessive Alport syndrome (ATS2). Also called: Alport syndrome type 2; COL4A3-Related Nephropathy; ALPORT SYNDROME 2, AUTOSOMAL RECESSIVE; COL4A4 Alport Syndrome and Thin Basement Membrane Nephropathy. Identifiers: Orphanet 63, Orphanet 88919, MedGen C4746745, MONDO:0008762, OMIM 203780.
Hematuria, benign familial, 1 (BFH1). Also called: THIN MEMBRANE NEPHROPATHY. Identifiers: MedGen CN376803, MONDO:0007709, OMIM 141200.
Alport syndrome. Also called: Hemorrhagic familial nephritis; Hemorrhagic hereditary nephritis; Congenital hereditary hematuria. Identifiers: Orphanet 63, MedGen C1567741, MONDO:0018965.
COL4A4-related disorder.

Submissions (3):

Myriad Genetics, Inc.
Classification: Likely pathogenic for Alport syndrome. Last evaluated: 2025-05-02. Review status: criteria provided, single submitter. Criteria: Myriad Autosomal Dominant, Autosomal Recessive and X-Linked Classification Criteria (2023). Collection method: clinical testing. Allele origin: unknown.
Comment: NM_000092.4(COL4A4):c.3161G>T(G1054V) is a missense variant classified as likely pathogenic in the context of Alport syndrome, COL4A4-related. G1054V has been observed in a case with relevant disease (PMID: 39558648). Relevant functional assessments of this variant are not available in the literature. Internal structural analysis of the variant is supportive of pathogenicity. G1054V has not been observed in referenced population frequency databases. In summary, NM_000092.4(COL4A4):c.3161G>T(G1054V) is a missense variant that has internal structural support for pathogenicity and has been observed more frequently in cases with the relevant disease than in healthy populations. Please note: this variant was assessed in the context of healthy population screening.

Fulgent Genetics
Classification: Likely pathogenic for Hematuria, benign familial, 1; Autosomal recessive Alport syndrome. Last evaluated: 2024-06-10. Review status: criteria provided, single submitter. Criteria: ACMG Guidelines, 2015. Collection method: clinical testing. Allele origin: germline.

Blueprint Genetics
Classification: Likely pathogenic for COL4A4-related disorders. Last evaluated: 2020-10-06. Review status: criteria provided, single submitter. Criteria: ACMG Guidelines, 2015. Collection method: clinical testing. Allele origin: germline. Affected: yes. Observed: 1 variant allele.

Literature cited by the submitters: PubMed 39558648 (cited by Myriad Genetics, Inc.).

NM_000092.5(COL4A4):c.3161G>T (p.Gly1054Val)

Gene: COL4A4 (collagen type IV alpha 4 chain; minus strand). Cytogenetic location: 2q36.3.
Variant type: single nucleotide variant.
Coding change: c.3161G>T on transcript NM_000092.5 (MANE Select); coding-DNA position 3161, G replaced by T.
Protein change: p.Gly1054Val; replaces glycine 1054 with valine.
Molecular consequence: missense variant.
Genome position (GRCh38, 1-based): chr2:227,050,121, C>A on the plus strand (G>T on the coding strand, the complement: COL4A4 is on the minus strand). VCF-style: chr2-227050121-C-A. GRCh37 (hg19) VCF-style: chr2-227914837-C-A.
Other names: short protein forms G1054V.
Identifiers: ClinVar variation 3585803 (VCV003585803.3).